The following is an entry in ClinVar:

NM_025219.3(DNAJC5):c.319A>C (p.Lys107Gln)

Gene: DNAJC5 (DnaJ heat shock protein family (Hsp40) member C5; plus strand). Cytogenetic location: 20q13.33.
Variant type: single nucleotide variant.
Coding change: c.319A>C on transcript NM_025219.3 (MANE Select); coding-DNA position 319, A replaced by C.
Protein change: p.Lys107Gln; replaces lysine 107 with glutamine.
Molecular consequence: missense variant.
Genome position (GRCh38, 1-based): chr20:63,929,523, A>C. VCF-style: chr20-63929523-A-C. GRCh37 (hg19) VCF-style: chr20-62560876-A-C.
Other names: short protein forms K107Q.
Identifiers: ClinVar variation 836832 (VCV000836832.11), dbSNP rs2053644044, ClinGen allele CA409717149.

ClinVar aggregate classification (germline): Uncertain significance (1 of 4 stars; one submission).

Conditions:
Neuronal ceroid lipofuscinosis. Also called: Neuronal Ceroid Lipofuscinoses. Identifiers: Orphanet 216, Orphanet 79263, MedGen C0027877, MONDO:0016295. Disease mechanism: loss of function.

Submission:

Labcorp Genetics (formerly Invitae), Labcorp
Classification: Uncertain significance for Neuronal ceroid lipofuscinosis. Last evaluated: 2022-02-03. Review status: criteria provided, single submitter. Criteria: Invitae Variant Classification Sherloc (09022015). Collection method: clinical testing. Allele origin: germline.
Comment: In summary, the available evidence is currently insufficient to determine the role of this variant in disease. Therefore, it has been classified as a Variant of Uncertain Significance. Algorithms developed to predict the effect of missense changes on protein structure and function are either unavailable or do not agree on the potential impact of this missense change (SIFT: "Tolerated"; PolyPhen-2: "Possibly Damaging"; Align-GVGD: "Class C0"). ClinVar contains an entry for this variant (Variation ID: 836832). This variant has not been reported in the literature in individuals affected with DNAJC5-related conditions. This variant is not present in population databases (gnomAD no frequency). This sequence change replaces lysine, which is basic and polar, with glutamine, which is neutral and polar, at codon 107 of the DNAJC5 protein (p.Lys107Gln).